The following is an entry in ClinVar:

ClinVar aggregate classification (germline): Uncertain significance (1 of 4 stars; one submission).

Allele frequency attached by ClinVar (database versions not stated): gnomAD exomes below 0.00001; TOPMed below 0.00001.

Submission:

GeneDx
Classification: Uncertain significance. Last evaluated: 2026-02-09. Review status: criteria provided, single submitter. Criteria: GeneDx Variant Classification Process June 2021. Collection method: clinical testing. Allele origin: germline. Affected: yes.
Comment: Not observed in large population cohorts (gnomAD); In silico analysis, which includes protein predictors and evolutionary conservation, supports a deleterious effect; Has not been previously published as pathogenic or benign to our knowledge

NM_194454.3(KRIT1):c.182A>T (p.Asn61Ile)

Gene: KRIT1 (KRIT1 ankyrin repeat containing; minus strand). Cytogenetic location: 7q21.2.
Variant type: single nucleotide variant.
Coding change: c.182A>T on transcript NM_194454.3 (MANE Select); coding-DNA position 182, A replaced by T.
Protein change: p.Asn61Ile; replaces asparagine 61 with isoleucine.
Molecular consequence: missense variant. On other transcripts: 5 prime UTR variant (1).
Genome position (GRCh38, 1-based): chr7:92,241,073, T>A on the plus strand (A>T on the coding strand, the complement: KRIT1 is on the minus strand). VCF-style: chr7-92241073-T-A. GRCh37 (hg19) VCF-style: chr7-91870387-T-A.
Other names: c.182A>T, p.Asn61Ile (NM_001013406.2, NM_001350669.1, NM_001350670.1 and 29 more transcripts); c.-402A>T (NM_001350671.1); short protein forms N61I.
Identifiers: ClinVar variation 1312427 (VCV001312427.3), dbSNP rs931432552, ClinGen allele CA161915310.